The following is an entry in ClinVar:

NM_004168.4(SDHA):c.206C>G (p.Ala69Gly)

Gene: SDHA (succinate dehydrogenase complex flavoprotein subunit A; plus strand). Cytogenetic location: 5p15.33.
Variant type: single nucleotide variant.
Coding change: c.206C>G on transcript NM_004168.4 (MANE Select); coding-DNA position 206, C replaced by G.
Protein change: p.Ala69Gly; replaces alanine 69 with glycine.
Molecular consequence: missense variant.
Genome position (GRCh38, 1-based): chr5:224,415, C>G. VCF-style: chr5-224415-C-G. GRCh37 (hg19) VCF-style: chr5-224530-C-G.
Other names: c.206C>G, p.Ala69Gly (NM_001294332.2, NM_001330758.2); short protein forms A69G.
Identifiers: ClinVar variation 3951344 (VCV003951344.1).

ClinVar aggregate classification (germline): Uncertain significance (1 of 4 stars; one submission).

Conditions:
Hereditary cancer-predisposing syndrome. Also called: Tumor predisposition; Hereditary neoplastic syndrome; Hereditary Cancer Syndrome; Neoplastic Syndromes, Hereditary. Identifiers: Orphanet 140162, MedGen C0027672, MeSH D009386, MONDO:0015356.

Submission:

Ambry Genetics
Classification: Uncertain significance for Hereditary cancer-predisposing syndrome. Last evaluated: 2025-04-11. Review status: criteria provided, single submitter. Criteria: Ambry Variant Classification Scheme 2023. Collection method: clinical testing. Allele origin: germline.
Comment: The p.A69G variant (also known as c.206C>G), located in coding exon 3 of the SDHA gene, results from a C to G substitution at nucleotide position 206. The alanine at codon 69 is replaced by glycine, an amino acid with similar properties. This amino acid position is conserved. In addition, the in silico prediction for this alteration is inconclusive. Based on the available evidence, the clinical significance of this variant remains unclear.